The following is an entry in ClinVar:

ClinVar aggregate classification (germline): Likely pathogenic (1 of 4 stars; one submission).

Conditions:
CFTR-related disorder (CFTR-RD). Also called: CFTR-related disorders; CFTR-related condition. Identifiers: MedGen C5924204, MONDO:7770004.

Submission:

Natera, Inc.
Classification: Likely pathogenic for CFTR-related disorders. Last evaluated: 2025-12-25. Review status: criteria provided, single submitter. Criteria: Natera Variant Classification Schema (03/2026). Collection method: clinical testing. Allele origin: germline.
Comment: The c.3632_3635delinsTCTCACAG variant in CFTR is a frameshift variant predicted to shift the reading frame beginning at codon 1211 and leads to a stop codon 55 codons downstream. This variant is expected to result in nonsense mediated decay, truncation, or a dysfunctional protein product. This variant is rare in the general population with a frequency below the threshold expected for the associated phenotype(s). Given the available evidence, this variant is classified as Likely Pathogenic.

NM_000492.4(CFTR):c.3632_3635delinsTCTCACAG (p.Thr1211fs)

Genes: CFTR (CF transmembrane conductance regulator; plus strand), CFTR-AS2 (CFTR antisense RNA 2; minus strand). Cytogenetic location: 7q31.2.
Variant type: Indel.
Coding change: c.3632_3635delinsTCTCACAG on transcript NM_000492.4 (MANE Select); coding-DNA positions 3632 to 3635, CTGT replaced by TCTCACAG.
Protein change: p.Thr1211fs; shifts the reading frame from threonine 1211.
Molecular consequence: frameshift variant.
Genome position (GRCh38, 1-based): chr7:117,627,685-117,627,688, CTGT replaced by TCTCACAG. VCF-style: chr7-117627685-CTGT-TCTCACAG. GRCh37 (hg19) VCF-style: chr7-117267739-CTGT-TCTCACAG.
Other names: c.3632_3635delCTGTinsTCTCACAG, p.Thr1211Ilefs (NM_000492.3); short protein forms T1211fs.
Identifiers: ClinVar variation 4818543 (VCV004818543.1).